The following is an entry in ClinVar:

ClinVar aggregate classification (germline): Uncertain significance. Review status: criteria provided, multiple submitters, no conflicts (2 of 4 stars). 2 submissions from 2 submitters: Uncertain significance (2). Last evaluated 2025-05-03.

Conditions:
Inborn genetic diseases. Identifiers: MedGen C0950123, MeSH D030342.
DOCK2 deficiency. Also called: Immunodeficiency 40. Identifiers: Orphanet 447737, MedGen C4225328, MONDO:0014637, OMIM 616433.

Allele frequency attached by ClinVar (database versions not stated): TOPMed 0.00006; gnomAD exomes 0.00005; 1000 Genomes Project 0.00020; gnomAD 0.00006; ExAC 0.00003; 1000 Genomes Project 30x 0.00016.
gnomAD v4.1: 92 of 1,613,776 alleles (0.0057%); highest among the groups gnomAD compares: Admixed American, 0.013%; no homozygotes.

Submissions (2):

Ambry Genetics
Classification: Uncertain significance for Inborn genetic diseases. Last evaluated: 2025-05-03. Review status: criteria provided, single submitter. Criteria: Ambry Variant Classification Scheme 2023. Collection method: clinical testing. Allele origin: germline.

Labcorp Genetics (formerly Invitae), Labcorp
Classification: Uncertain significance for DOCK2 deficiency. Last evaluated: 2022-07-15. Review status: criteria provided, single submitter. Criteria: Invitae Variant Classification Sherloc (09022015). Collection method: clinical testing. Allele origin: germline.
Comment: This sequence change replaces phenylalanine, which is neutral and non-polar, with leucine, which is neutral and non-polar, at codon 1625 of the DOCK2 protein (p.Phe1625Leu). This variant is present in population databases (rs540837805, gnomAD 0.01%). This variant has not been reported in the literature in individuals affected with DOCK2-related conditions. ClinVar contains an entry for this variant (Variation ID: 1046772). Algorithms developed to predict the effect of missense changes on protein structure and function (SIFT, PolyPhen-2, Align-GVGD) all suggest that this variant is likely to be tolerated. In summary, the available evidence is currently insufficient to determine the role of this variant in disease. Therefore, it has been classified as a Variant of Uncertain Significance.

NM_004946.3(DOCK2):c.4875T>G (p.Phe1625Leu)

Gene: DOCK2 (dedicator of cytokinesis 2; plus strand). Cytogenetic location: 5q35.1.
Variant type: single nucleotide variant.
Coding change: c.4875T>G on transcript NM_004946.3 (MANE Select); coding-DNA position 4875, T replaced by G.
Protein change: p.Phe1625Leu; replaces phenylalanine 1625 with leucine.
Molecular consequence: missense variant. On other transcripts: non-coding transcript variant (1).
Genome position (GRCh38, 1-based): chr5:170,077,718, T>G. VCF-style: chr5-170077718-T-G. GRCh37 (hg19) VCF-style: chr5-169504722-T-G.
Other names: c.4875T>G (NM_004946.2); short protein forms F1625L.
Identifiers: ClinVar variation 1046772 (VCV001046772.5), dbSNP rs540837805, ClinGen allele CA3554688.
Genomic context (GRCh38, chr5:170,077,718, plus strand): 5'-GGGCCACCTTCCCCAGGCTACAGCTGCTAACCACCCTGTTCTCCCACCACAGCCTGACTT[T>G]GACGACAGGAGAGTGGGCCGTCCCAGGTCTATGCTGCGCTCATACAGACAGATGTCCATC-3'
Protein context (NP_004937.1, residues 1615-1635): KEYGVREMPD[Phe1625Leu]DDRRVGRPRS